The following is an entry in ClinVar:

NM_020778.5(ALPK3):c.4364G>A (p.Ser1455Asn)

Gene: ALPK3 (alpha kinase 3; plus strand). Cytogenetic location: 15q25.3.
Variant type: single nucleotide variant.
Coding change: c.4364G>A on transcript NM_020778.5 (MANE Select); coding-DNA position 4364, G replaced by A.
Protein change: p.Ser1455Asn; replaces serine 1455 with asparagine.
Molecular consequence: missense variant.
Genome position (GRCh38, 1-based): chr15:84,862,869, G>A. VCF-style: chr15-84862869-G-A. GRCh37 (hg19) VCF-style: chr15-85406100-G-A.
Other names: short protein forms S1455N.
Identifiers: ClinVar variation 3711163 (VCV003711163.2).

ClinVar aggregate classification (germline): Uncertain significance (1 of 4 stars; one submission).

gnomAD v4.1: 2 of 1,614,130 alleles (0.00012%); highest among the groups gnomAD compares: Non-Finnish European, 0.00017%; no homozygotes.

Submission:

Labcorp Genetics (formerly Invitae), Labcorp
Classification: Uncertain significance. Last evaluated: 2025-02-04. Review status: criteria provided, single submitter. Criteria: Invitae Variant Classification Sherloc (09022015). Collection method: clinical testing. Allele origin: germline.
Comment: This sequence change replaces serine, which is neutral and polar, with asparagine, which is neutral and polar, at codon 1657 of the ALPK3 protein (p.Ser1657Asn). This variant is not present in population databases (gnomAD no frequency). This variant has not been reported in the literature in individuals affected with ALPK3-related conditions. Invitae Evidence Modeling of protein sequence and biophysical properties (such as structural, functional, and spatial information, amino acid conservation, physicochemical variation, residue mobility, and thermodynamic stability) indicates that this missense variant is expected to disrupt ALPK3 protein function with a positive predictive value of 80%. In summary, the available evidence is currently insufficient to determine the role of this variant in disease. Therefore, it has been classified as a Variant of Uncertain Significance.